The following is an entry in ClinVar:

ClinVar aggregate classification (germline): Uncertain significance (1 of 4 stars; one submission).

Submission:

Women's Health and Genetics/Laboratory Corporation of America, LabCorp
Classification: Uncertain significance. Last evaluated: 2025-07-25. Review status: criteria provided, single submitter. Criteria: LabCorp Variant Classification Summary - May 2015. Collection method: clinical testing. Allele origin: germline.
Comment: Variant summary: SEMA6B c.*12C>A is located in the untranslated mRNA region downstream of the termination codon. The variant was absent in 12618 control chromosomes. The available data on variant occurrences in the general population are insufficient to allow any conclusion about variant significance. To our knowledge, no occurrence of c.*12C>A in individuals affected with Epilepsy, Progressive Myoclonic, 11 and no experimental evidence demonstrating its impact on protein function have been reported. No submitters have cited clinical-significance assessments for this variant to ClinVar. Based on the evidence outlined above, the variant was classified as uncertain significance.

NM_032108.4(SEMA6B):c.*12C>A

Gene: SEMA6B (semaphorin 6B; minus strand). Cytogenetic location: 19p13.3.
Variant type: single nucleotide variant.
Coding change: c.*12C>A on transcript NM_032108.4 (MANE Select); 12 bases downstream of the stop codon, C replaced by A.
Molecular consequence: 3 prime UTR variant.
Genome position (GRCh38, 1-based): chr19:4,543,589, G>T on the plus strand (C>A on the coding strand, the complement: SEMA6B is on the minus strand). VCF-style: chr19-4543589-G-T. GRCh37 (hg19) VCF-style: chr19-4543601-G-T.
Identifiers: ClinVar variation 4526205 (VCV004526205.1).